The following is an entry in ClinVar:

NM_007118.4(TRIO):c.1559G>C (p.Ser520Thr)

Gene: TRIO (trio Rho guanine nucleotide exchange factor; plus strand). Cytogenetic location: 5p15.2.
Variant type: single nucleotide variant.
Coding change: c.1559G>C on transcript NM_007118.4 (MANE Select); coding-DNA position 1559, G replaced by C.
Protein change: p.Ser520Thr; replaces serine 520 with threonine.
Molecular consequence: missense variant. On other transcripts: non-coding transcript variant (1).
Genome position (GRCh38, 1-based): chr5:14,316,571, G>C. VCF-style: chr5-14316571-G-C. GRCh37 (hg19) VCF-style: chr5-14316680-G-C.
Other names: short protein forms S520T.
Identifiers: ClinVar variation 2655309 (VCV002655309.24), dbSNP rs202028964, ClinGen allele CA359227090.

ClinVar aggregate classification (germline): Uncertain significance (1 of 4 stars; one submission).

gnomAD v4.1: 7 of 1,614,096 alleles (0.00043%); highest among the groups gnomAD compares: African/African-American, 0.0013%; no homozygotes.

Submission:

CeGaT Center for Human Genetics Tuebingen
Classification: Uncertain significance. Last evaluated: 2023-01-01. Review status: criteria provided, single submitter. Criteria: CeGaT Center For Human Genetics Tuebingen Variant Classification Criteria Version 2. Collection method: clinical testing. Allele origin: germline. Affected: yes. Observed: 1 variant allele.
Comment: TRIO: PM2